The following is an entry in ClinVar:

ClinVar aggregate classification (germline): Benign. Review status: criteria provided, multiple submitters, no conflicts (2 of 4 stars). 11 submissions from 11 submitters: Benign (8). 3 of the submissions do not count toward it. Last evaluated 2026-02-03.

Conditions:
Norman-Roberts syndrome (LIS2). Also called: Lissencephaly 2 (Norman-Roberts type). Identifiers: Orphanet 89844, MedGen C0796089, MONDO:0009760, OMIM 257320.
Familial temporal lobe epilepsy 7. Identifiers: Orphanet 101046, MedGen C4225327, MONDO:0014639, OMIM 616436.

Allele frequency attached by ClinVar (database versions not stated): ESP Exome Variant Server 0.04675; gnomAD exomes 0.05373 and 0.07870; gnomAD 0.05938 and 0.06249; TOPMed 0.06097; ExAC 0.07490; 1000 Genomes Project 30x 0.10556; 1000 Genomes Project 0.10942.
gnomAD v4.1: 88,567 of 1,613,844 alleles (5.5%); highest among the groups gnomAD compares: East Asian, 20%; 3,531 homozygotes.

Submissions (11):

Labcorp Genetics (formerly Invitae), Labcorp
Classification: Benign for Familial temporal lobe epilepsy 7; Norman-Roberts syndrome. Last evaluated: 2026-02-03. Review status: criteria provided, single submitter. Criteria: Invitae Variant Classification Sherloc (09022015). Collection method: clinical testing. Allele origin: germline.

Blueprint Genetics
Classification: Benign. Last evaluated: 2024-11-27. Review status: criteria provided, single submitter. Criteria: ACMG Guidelines, 2015. Collection method: clinical testing. Allele origin: germline.

Mayo Clinic Laboratories, Mayo Clinic
Classification: Benign. Last evaluated: 2018-09-06. Review status: criteria provided, single submitter. Criteria: ACMG Guidelines, 2015. Collection method: clinical testing. Allele origin: germline. Observed: 55 variant alleles.

Athena Diagnostics
Classification: Benign. Last evaluated: 2018-05-08. Review status: criteria provided, single submitter. Criteria: Athena Diagnostics Criteria. Collection method: clinical testing. Allele origin: germline.

Illumina Laboratory Services, Illumina
Classification: Benign for Norman-Roberts syndrome. Last evaluated: 2018-01-13. Review status: criteria provided, single submitter. Criteria: ICSL Variant Classification Criteria 13 December 2019. Collection method: clinical testing. Allele origin: germline.
Comment: This variant was observed in the ICSL laboratory as part of a predisposition screen in an ostensibly healthy population. It had not been previously curated by ICSL or reported in the Human Gene Mutation Database (HGMD: prior to June 1st, 2018), and was therefore a candidate for classification through an automated scoring system. Utilizing variant allele frequency, disease prevalence and penetrance estimates, and inheritance mode, an automated score was calculated to assess if this variant is too frequent to cause the disease. Based on the score and internal cut-off values, a variant classified as benign is not then subjected to further curation. The score for this variant resulted in a classification of benign for this disease.

GeneDx
Classification: Benign. Last evaluated: 2014-02-27. Review status: criteria provided, single submitter. Criteria: GeneDx Variant Classification (06012015). Collection method: clinical testing. Allele origin: germline. Affected: yes.
Comment: This variant is considered likely benign or benign based on one or more of the following criteria: it is a conservative change, it occurs at a poorly conserved position in the protein, it is predicted to be benign by multiple in silico algorithms, and/or has population frequency not consistent with disease.

Eurofins Ntd Llc (ga)
Classification: Benign. Last evaluated: 2012-11-30. Review status: criteria provided, single submitter. Criteria: EGL Classification Definitions 2015. Collection method: clinical testing. Allele origin: germline. Observed: 3 variant alleles, 3 heterozygotes.

Breakthrough Genomics
Classification: Benign. Review status: criteria provided, single submitter. Criteria: ACMG Guidelines, 2015. Collection method: not provided. Allele origin: germline. Inheritance: Autosomal recessive inheritance. Affected: yes.

Clinical Genetics DNA and cytogenetics Diagnostics Lab, Erasmus MC, Erasmus Medical Center
Classification: Benign. Review status: no assertion criteria provided. Collection method: clinical testing. Allele origin: germline. Affected: yes. Study: VKGL Data-share Consensus. Not counted in ClinVar's aggregate classification.

Clinical Genetics, Academic Medical Center
Classification: Benign. Review status: no assertion criteria provided. Collection method: clinical testing. Allele origin: germline. Affected: yes. Study: VKGL Data-share Consensus. Not counted in ClinVar's aggregate classification.

Genetic Services Laboratory, University of Chicago
Classification: Likely benign for AllHighlyPenetrant. Review status: no assertion criteria provided. Collection method: clinical testing. Allele origin: germline. Inheritance: Autosomal recessive inheritance. Not counted in ClinVar's aggregate classification.
Comment: Likely benign based on allele frequency in 1000 Genomes Project or ESP global frequency and its presence in a patient with a rare or unrelated disease phenotype. NOT Sanger confirmed.

NM_005045.4(RELN):c.6702T>C (p.Cys2234=)

Gene: RELN (reelin; minus strand). Cytogenetic location: 7q22.1.
Variant type: single nucleotide variant.
Coding change: c.6702T>C on transcript NM_005045.4 (MANE Select); coding-DNA position 6702, T replaced by C.
Protein change: p.Cys2234=; no amino-acid change (cysteine 2234 retained).
Molecular consequence: synonymous variant.
Genome position (GRCh38, 1-based): chr7:103,540,425, A>G on the plus strand (T>C on the coding strand, the complement: RELN is on the minus strand). VCF-style: chr7-103540425-A-G. GRCh37 (hg19) VCF-style: chr7-103180872-A-G.
Other names: p.C2234C:TGT>TGC; p.Cys2234=; c.6702T>C, p.Cys2234= (NM_173054.3).
Identifiers: ClinVar variation 95227 (VCV000095227.28), dbSNP rs2075043, ClinGen allele CA148348.